The following is an entry in ClinVar:

NM_001384140.1(PCDH15):c.3984-170_3984-168del

Gene: PCDH15 (protocadherin related 15; minus strand). Cytogenetic location: 10q21.1.
Variant type: Microsatellite.
Coding change: c.3984-170_3984-168del on transcript NM_001384140.1 (MANE Select); 170 bases into the intron before coding-DNA position 3984 through 168 bases into the intron before coding-DNA position 3984, 3 bases deleted (CTT; older notation c.3984-170_3984-168delCTT).
Molecular consequence: intron variant.
Genome position (GRCh38, 1-based): chr10:53,831,701-53,831,703, AAG deleted on the plus strand (CTT on the coding strand, the reverse complement: PCDH15 is on the minus strand); deleting any 3 consecutive bases within chr10:53,831,701-53,831,707 gives the same sequence; the c. name uses the placement nearest the transcript's 3' end. VCF-style (leftmost placement, unchanged base first): chr10-53831700-AAAG-A. GRCh37 (hg19) VCF-style: chr10-55591460-AAAG-A.
Other names: c.3984-170_3984-168del (NM_001354420.2, NM_001354429.2, NM_001142772.2 and 4 more transcripts); c.3999-170_3999-168del (NM_001142771.2, NM_001142763.2); c.4005-170_4005-168del (NM_001354411.2); c.4020-170_4020-168del (NM_001142769.3); c.3918-170_3918-168del (NM_001354404.2, NM_001142773.2, NM_001142768.2); c.3873-170_3873-168del (NM_001142767.2); c.3771-170_3771-168del (NM_001142765.2).
Identifiers: ClinVar variation 678864 (VCV000678864.1), dbSNP rs10564877, ClinGen allele CA207227519.

ClinVar aggregate classification (germline): Benign (1 of 4 stars; one submission).

Submission:

GeneDx
Classification: Benign. Last evaluated: 2018-06-14. Review status: criteria provided, single submitter. Criteria: GeneDx Variant Classification (06012015). Collection method: clinical testing. Allele origin: germline. Affected: yes.
Comment: This variant is considered likely benign or benign based on one or more of the following criteria: it is a conservative change, it occurs at a poorly conserved position in the protein, it is predicted to be benign by multiple in silico algorithms, and/or has population frequency not consistent with disease.